The following is an entry in ClinVar:

NM_012156.2(EPB41L1):c.1892G>T (p.Ser631Ile)

Gene: EPB41L1 (erythrocyte membrane protein band 4.1 like 1; plus strand). Cytogenetic location: 20q11.23.
Variant type: single nucleotide variant.
Coding change: c.1892G>T on transcript NM_012156.2 (MANE Select); coding-DNA position 1892, G replaced by T.
Protein change: p.Ser631Ile; replaces serine 631 with isoleucine.
Molecular consequence: missense variant. On other transcripts: intron variant (1).
Genome position (GRCh38, 1-based): chr20:36,209,711, G>T. VCF-style: chr20-36209711-G-T. GRCh37 (hg19) VCF-style: chr20-34797633-G-T.
Other names: c.1892G>T, p.Ser631Ile (NM_001258329.1); c.1670G>T, p.Ser557Ile (NM_001258331.2, NM_177996.2); c.1540-2561G>T (NM_001258330.1); short protein forms S631I, S557I.
Identifiers: ClinVar variation 1027767 (VCV001027767.1), dbSNP rs2063022720, ClinGen allele CA408798122.

ClinVar aggregate classification (germline): Uncertain significance (1 of 4 stars; one submission).

Conditions:
Intellectual disability, autosomal dominant 11. Identifiers: MedGen C3280285, MONDO:0013658, OMIM 614257.

Allele frequency attached by ClinVar (database versions not stated): gnomAD exomes below 0.00001.
gnomAD v4.1: 1 of 1,614,186 alleles (0.000062%); highest among the groups gnomAD compares: Middle Eastern, 0.016%; no homozygotes.

Submission:

Baylor Genetics
Classification: Uncertain significance for Intellectual disability, autosomal dominant 11. Last evaluated: 2019-07-20. Review status: criteria provided, single submitter. Criteria: ACMG Guidelines, 2015. Collection method: clinical testing. Allele origin: unknown. Affected: yes.
Comment: This variant was determined to be of uncertain significance according to ACMG Guidelines, 2015 [PMID:25741868].